The following is an entry in ClinVar:

NM_001040108.2(MLH3):c.1801G>A (p.Val601Ile)

Gene: MLH3 (mutL homolog 3; minus strand). Cytogenetic location: 14q24.3.
Variant type: single nucleotide variant.
Coding change: c.1801G>A on transcript NM_001040108.2 (MANE Select); coding-DNA position 1801, G replaced by A.
Protein change: p.Val601Ile; replaces valine 601 with isoleucine.
Molecular consequence: missense variant.
Genome position (GRCh38, 1-based): chr14:75,047,855, C>T on the plus strand (G>A on the coding strand, the complement: MLH3 is on the minus strand). VCF-style: chr14-75047855-C-T. GRCh37 (hg19) VCF-style: chr14-75514558-C-T.
Other names: c.1801G>A, p.Val601Ile (NM_014381.3); short protein forms V601I.
Identifiers: ClinVar variation 478021 (VCV000478021.8), dbSNP rs1555345589, ClinGen allele CA390444231.
Genomic context (GRCh38, chr14:75,047,855, plus strand): 5'-TTGATTTAGTTTTTTCATTTTGTACTACATGAGTTATAAAGCCAGTGGAACATAATTTAA[C>T]TCGCCCATAACTAAAAACATTTCTTCTTCCACAATTGCTAGATTCTTTTTTTTTCTCTTT-3'
Protein context (NP_001035197.1, residues 591-611): GRRNVFSYGR[Val601Ile]KLCSTGFITH

ClinVar aggregate classification (germline): Uncertain significance (1 of 4 stars; one submission).

Conditions:
Colorectal cancer, hereditary nonpolyposis, type 7. Identifiers: Orphanet 144, MedGen C1858380, MONDO:0013725, OMIM 614385.

Allele frequency attached by ClinVar (database versions not stated): gnomAD exomes below 0.00001.
gnomAD v4.1: 4 of 1,613,010 alleles (0.00025%); highest among the groups gnomAD compares: Non-Finnish European, 0.00034%; no homozygotes.

Submission:

Labcorp Genetics (formerly Invitae), Labcorp
Classification: Uncertain significance for Colorectal cancer, hereditary nonpolyposis, type 7. Last evaluated: 2017-06-17. Review status: criteria provided, single submitter. Criteria: Invitae Variant Classification Sherloc (09022015). Collection method: clinical testing. Allele origin: germline.
Comment: In summary, this variant has uncertain impact on MLH3 function. The available evidence is currently insufficient to determine its role in disease. Therefore, it has been classified as a Variant of Uncertain Significance. Algorithms developed to predict the effect of missense changes on protein structure and function output the following: SIFT: "Tolerated"; PolyPhen-2: "Benign"; Align-GVGD: "Class C0". The isoleucine amino acid residue is found in multiple mammalian species, suggesting that this missense change does not adversely affect protein function. These predictions have not been confirmed by published functional studies and their clinical significance is uncertain. This variant has not been reported in the literature in individuals with a MLH3-related disease. This variant is not present in population databases (ExAC no frequency). This sequence change replaces valine with isoleucine at codon 601 of the MLH3 protein (p.Val601Ile). The valine residue is weakly conserved and there is a small physicochemical difference between valine and isoleucine.